The following is an entry in ClinVar:

ClinVar aggregate classification (germline): Conflicting classifications of pathogenicity. Review status: criteria provided, conflicting classifications (1 of 4 stars). 4 submissions from 4 submitters: Uncertain significance (3); Likely benign (1). Last evaluated 2024-05-29.

Conditions:
Tip-toe gait. Also called: Toe walking. Identifiers: MedGen C0427144, HP:0030051.
Developmental and epileptic encephalopathy, 1 (DEE1). Also called: X-linked infantile spasms; West's syndrome; Tonic spasms with clustering, arrest of psychomotor development and hypsarrhythmia on EEG; X-Linked Infantile Spasm Syndrome; OHTAHARA SYNDROME, X-LINKED; INFANTILE SPASM SYNDROME, X-LINKED 1. Identifiers: MedGen C3463992, MONDO:0010632, OMIM 308350. Disease mechanism: loss of function.

Submissions (4):

Blueprint Genetics
Classification: Uncertain significance. Last evaluated: 2024-05-29. Review status: criteria provided, single submitter. Criteria: ACMG Guidelines, 2015. Collection method: clinical testing. Allele origin: germline.

Practice for Gait Abnormalities, David Pomarino, Competency Network Toe Walking C/o Practice Pomarino
Classification: Uncertain significance for Tip-toe gait. Last evaluated: 2021-01-29. Review status: criteria provided, single submitter. Criteria: ACMG Guidelines, 2015. Collection method: clinical testing. Allele origin: unknown. Affected: yes.
Comment: Hereditary motor sensory neuropathy (HMSN), also known as Charcot-Marie-Tooth Disease (CMT), is the most commonly inherited peripheral polyneuropathy. It constitutes a group of inherited, progressive, motor and sensory peripheral nerve disorders with properties of demyelination, axonal degeneration, or both. It is classified by clinical characteristics, modes of inheritance, electrophysiologic features, metabolic defects, and specific gene markers. Our patients all walk on tiptoe, so they show similar symptoms. When we genetically test them with our toe walking panel, we find that around 90 per cent of them have a genetic variant that explains their toe walking. These can be assigned, for example, to the area of myopathies (such as variants of the COL6A3 gene), the area of hereditary neuropathies (such as variants of the KMT2C gene) or the area of metabolic diseases (such as variants of the PYGM gene). In a smaller group of patients with almost identical symptoms, no abnormality is found in the genes of our panel, but spastic paraplegia can be detected. In another small group of our toe walkers, no abnormalities can be detected in the genes analysed in our toe walking panel, nor do they suffer from spastic paraplegia, as is also the case with healthy children. In contrast to these, however, they show a tiptoe gait. These patients suffer from infantile cerebral palsy, in which toe walking can also be observed.

GeneDx
Classification: Likely benign. Last evaluated: 2020-02-10. Review status: criteria provided, single submitter. Criteria: GeneDx Variant Classification Process June 2021. Collection method: clinical testing. Allele origin: germline. Affected: yes.

Genomic Research Center, Shahid Beheshti University of Medical Sciences
Classification: Uncertain significance for Epileptic encephalopathy, early infantile, 1. Last evaluated: 2019-04-27. Review status: criteria provided, single submitter. Criteria: ACMG Guidelines, 2015. Collection method: clinical testing. Allele origin: unknown. Affected: yes.

Literature cited by the submitters: PubMed 37091313 (cited by Practice for Gait Abnormalities, David Pomarino, Competency Network Toe Walking C/o Practice Pomarino).

NM_001127222.2(CACNA1A):c.6630CCA[5] (p.His2216_His2219del)

Gene: CACNA1A (calcium voltage-gated channel subunit alpha1 A; minus strand). Cytogenetic location: 19p13.13.
Variant type: Microsatellite.
Coding change: c.6630CCA[5] on transcript NM_001127222.2 (MANE Select); five copies in a row of the 3-base unit CCA starting at c.6630; the reference has nine copies in a row; four copies, 12 bases deleted.
Protein change: p.His2216_His2219del.
Molecular consequence: inframe deletion.
Genome position (GRCh38, 1-based): chr19:13,208,880-13,208,891, TGGTGGTGGTGG deleted on the plus strand (CCACCACCACCA on the coding strand, the reverse complement: CACNA1A is on the minus strand); deleting any 12 consecutive bases within chr19:13,208,880-13,208,908 gives the same sequence; the position shown is the placement nearest the transcript's 3' end. VCF-style (leftmost placement, unchanged base first): chr19-13208879-ATGGTGGTGGTGG-A. GRCh37 (hg19) VCF-style: chr19-13319693-ATGGTGGTGGTGG-A.
Other names: c.6648_6659delCCACCACCACCA (NM_001127221.1); c.6648CCA[5], p.His2222_His2225del (NM_000068.4, NM_023035.3); c.6633CCA[5], p.His2217_His2220del (NM_001127221.2); c.6639CCA[5], p.His2219_His2222del (NM_001174080.2); c.6650_6661delACCACCACCACC (NM_023035.3).
Identifiers: ClinVar variation 421291 (VCV000421291.11), dbSNP rs759331923, ClinGen allele CA16620770.